The following is an entry in ClinVar:

NM_206933.4(USH2A):c.4249C>G (p.Gln1417Glu)

Genes: USH2A (usherin; minus strand), USH2A-AS1 (USH2A antisense RNA 1; plus strand). Cytogenetic location: 1q41.
Variant type: single nucleotide variant.
Coding change: c.4249C>G on transcript NM_206933.4 (MANE Select); coding-DNA position 4249, C replaced by G.
Protein change: p.Gln1417Glu; replaces glutamine 1417 with glutamic acid.
Molecular consequence: missense variant.
Genome position (GRCh38, 1-based): chr1:216,196,555, G>C on the plus strand (C>G on the coding strand, the complement: USH2A is on the minus strand). VCF-style: chr1-216196555-G-C. GRCh37 (hg19) VCF-style: chr1-216369897-G-C.
Other names: c.4249C>G, p.Gln1417Glu (NM_007123.6); short protein forms Q1417E.
Identifiers: ClinVar variation 2003230 (VCV002003230.4), dbSNP rs2528035259, ClinGen allele CA344866072.

ClinVar aggregate classification (germline): Uncertain significance (1 of 4 stars; one submission).

Allele frequency attached by ClinVar (database versions not stated): gnomAD exomes below 0.00001.
gnomAD v4.1: 1 of 1,613,300 alleles (0.000062%); highest among the groups gnomAD compares: Admixed American, 0.0017%; no homozygotes.

Submission:

Labcorp Genetics (formerly Invitae), Labcorp
Classification: Uncertain significance. Last evaluated: 2024-04-05. Review status: criteria provided, single submitter. Criteria: Invitae Variant Classification Sherloc (09022015). Collection method: clinical testing. Allele origin: germline.
Comment: This sequence change replaces glutamine, which is neutral and polar, with glutamic acid, which is acidic and polar, at codon 1417 of the USH2A protein (p.Gln1417Glu). This variant is not present in population databases (gnomAD no frequency). This variant has not been reported in the literature in individuals affected with USH2A-related conditions. ClinVar contains an entry for this variant (Variation ID: 2003230). An algorithm developed to predict the effect of missense changes on protein structure and function (PolyPhen-2) suggests that this variant is likely to be tolerated. In summary, the available evidence is currently insufficient to determine the role of this variant in disease. Therefore, it has been classified as a Variant of Uncertain Significance.